The following is an entry in ClinVar:

NM_001042492.3(NF1):c.7033T>G (p.Leu2345Val)

Gene: NF1 (neurofibromin 1; plus strand). Cytogenetic location: 17q11.2.
Variant type: single nucleotide variant.
Coding change: c.7033T>G on transcript NM_001042492.3 (MANE Select); coding-DNA position 7033, T replaced by G.
Protein change: p.Leu2345Val; replaces leucine 2345 with valine.
Molecular consequence: missense variant.
Genome position (GRCh38, 1-based): chr17:31,340,616, T>G. VCF-style: chr17-31340616-T-G. GRCh37 (hg19) VCF-style: chr17-29667634-T-G.
Other names: c.6970T>G, p.Leu2324Val (NM_000267.4); short protein forms L2324V, L2345V.
Identifiers: ClinVar variation 1957626 (VCV001957626.7), dbSNP rs1349944181, ClinGen allele CA399015125.

ClinVar aggregate classification (germline): Uncertain significance. Review status: criteria provided, multiple submitters, no conflicts (2 of 4 stars). 2 submissions from 2 submitters: Uncertain significance (2). Last evaluated 2025-02-19.

Conditions:
Neurofibromatosis, type 1 (NF1). Also called: NEUROFIBROMATOSIS, TYPE I, SOMATIC; Peripheral type neurofibromatosis; VON RECKLINGHAUSEN DISEASE; Neurofibromatosis, type I. Identifiers: Orphanet 636, MedGen C0027831, MONDO:0018975, OMIM 162200. Disease mechanism: loss of function.
Hereditary cancer-predisposing syndrome. Also called: Tumor predisposition; Hereditary neoplastic syndrome; Hereditary Cancer Syndrome; Neoplastic Syndromes, Hereditary. Identifiers: Orphanet 140162, MedGen C0027672, MeSH D009386, MONDO:0015356.
Cardiovascular phenotype. Identifiers: MedGen CN230736.

Allele frequency attached by ClinVar (database versions not stated): gnomAD 0.00001.
gnomAD v4.1: 1 of 1,614,020 alleles (0.000062%); highest among the groups gnomAD compares: African/African-American, 0.0013%; no homozygotes.

Submissions (2):

Labcorp Genetics (formerly Invitae), Labcorp
Classification: Uncertain significance for Neurofibromatosis, type 1. Last evaluated: 2025-02-19. Review status: criteria provided, single submitter. Criteria: Invitae Variant Classification Sherloc (09022015). Collection method: clinical testing. Allele origin: germline.
Comment: This sequence change replaces leucine, which is neutral and non-polar, with valine, which is neutral and non-polar, at codon 2324 of the NF1 protein (p.Leu2324Val). This variant is present in population databases (no rsID available, gnomAD 0.01%). This variant has not been reported in the literature in individuals affected with NF1-related conditions. ClinVar contains an entry for this variant (Variation ID: 1957626). Invitae Evidence Modeling of protein sequence and biophysical properties (such as structural, functional, and spatial information, amino acid conservation, physicochemical variation, residue mobility, and thermodynamic stability) has been performed for this missense variant. However, the output from this modeling did not meet the statistical confidence thresholds required to predict the impact of this variant on NF1 protein function. In summary, the available evidence is currently insufficient to determine the role of this variant in disease. Therefore, it has been classified as a Variant of Uncertain Significance.

Ambry Genetics
Classification: Uncertain significance for Cardiovascular phenotype; Hereditary cancer-predisposing syndrome. Last evaluated: 2022-11-15. Review status: criteria provided, single submitter. Criteria: Ambry Variant Classification Scheme 2023. Collection method: clinical testing. Allele origin: germline.
Comment: The p.L2324V variant (also known as c.6970T>G), located in coding exon 46 of the NF1 gene, results from a T to G substitution at nucleotide position 6970. The leucine at codon 2324 is replaced by valine, an amino acid with highly similar properties. This amino acid position is conserved. In addition, the in silico prediction for this alteration is inconclusive. Since supporting evidence is limited at this time, the clinical significance of this alteration remains unclear.